The following is an entry in ClinVar:

NM_000048.4(ASL):c.718+1G>C

Gene: ASL (argininosuccinate lyase; plus strand). Cytogenetic location: 7q11.21.
Variant type: single nucleotide variant.
Coding change: c.718+1G>C on transcript NM_000048.4 (MANE Select); the canonical splice donor site of the intron after coding-DNA position 718, G replaced by C.
Molecular consequence: splice donor variant.
Genome position (GRCh38, 1-based): chr7:66,087,792, G>C. VCF-style: chr7-66087792-G-C. GRCh37 (hg19) VCF-style: chr7-65552779-G-C.
Other names: c.718+1G>C (NM_001024943.2, NM_001024944.2); c.640+1G>C (NM_001024946.2).
Identifiers: ClinVar variation 3624914 (VCV003624914.2).

ClinVar aggregate classification (germline): Likely pathogenic (1 of 4 stars; one submission).

Conditions:
Argininosuccinate lyase deficiency. Also called: ARGININOSUCCINIC ACID LYASE DEFICIENCY; ASL DEFICIENCY; Argininosuccinic aciduria. Identifiers: Orphanet 23, MedGen C0268547, MONDO:0008815, OMIM 207900, HP:0025630.

Submission:

Labcorp Genetics (formerly Invitae), Labcorp
Classification: Likely pathogenic for Argininosuccinate lyase deficiency. Last evaluated: 2024-07-01. Review status: criteria provided, single submitter. Criteria: Invitae Variant Classification Sherloc (09022015). Collection method: clinical testing. Allele origin: germline.
Comment: This sequence change affects a donor splice site in intron 10 of the ASL gene. It is expected to disrupt RNA splicing. Variants that disrupt the donor or acceptor splice site typically lead to a loss of protein function (PMID: 16199547), and loss-of-function variants in ASL are known to be pathogenic (PMID: 2263616, 24166829). This variant is not present in population databases (gnomAD no frequency). This variant has not been reported in the literature in individuals affected with ASL-related conditions. Algorithms developed to predict the effect of sequence changes on RNA splicing suggest that this variant may disrupt the consensus splice site. In summary, the currently available evidence indicates that the variant is pathogenic, but additional data are needed to prove that conclusively. Therefore, this variant has been classified as Likely Pathogenic.

Literature cited by the submitters: PubMed 16199547; PubMed 2263616; PubMed 24166829.